The following is an entry in ClinVar:

NM_007194.4(CHEK2):c.258G>T (p.Glu86Asp)

Gene: CHEK2 (checkpoint kinase 2; minus strand). Cytogenetic location: 22q12.1.
Variant type: single nucleotide variant.
Coding change: c.258G>T on transcript NM_007194.4 (MANE Select); coding-DNA position 258, G replaced by T.
Protein change: p.Glu86Asp; replaces glutamic acid 86 with aspartic acid.
Molecular consequence: missense variant.
Genome position (GRCh38, 1-based): chr22:28,734,464, C>A on the plus strand (G>T on the coding strand, the complement: CHEK2 is on the minus strand). VCF-style: chr22-28734464-C-A. GRCh37 (hg19) VCF-style: chr22-29130452-C-A.
Other names: c.258G>T, p.Glu86Asp (NM_001005735.3, NM_001349956.3, NM_145862.3); c.-520G>T (NM_001257387.3); short protein forms E86D.
Identifiers: ClinVar variation 662401 (VCV000662401.15), dbSNP rs1201436179, ClinGen allele CA411090539.

ClinVar aggregate classification (germline): Uncertain significance. Review status: criteria provided, multiple submitters, no conflicts (2 of 4 stars). 2 submissions from 2 submitters: Uncertain significance (2). Last evaluated 2025-09-03.

Conditions:
Hereditary cancer-predisposing syndrome. Also called: Neoplastic Syndromes, Hereditary; Tumor predisposition; Hereditary neoplastic syndrome; Hereditary Cancer Syndrome. Identifiers: Orphanet 140162, MedGen C0027672, MeSH D009386, MONDO:0015356.
Familial cancer of breast. Also called: BREAST CANCER, FAMILIAL; hereditary breast carcinoma; Hereditary breast cancer. Identifiers: Orphanet 227535, MedGen C0346153, MONDO:0016419, OMIM 114480. Disease mechanism: loss of function.

Allele frequency attached by ClinVar (database versions not stated): gnomAD exomes below 0.00001.
gnomAD v4.1: 1 of 1,613,650 alleles (0.000062%); highest among the groups gnomAD compares: Non-Finnish European, 0.000085%; no homozygotes.

Submissions (2):

Labcorp Genetics (formerly Invitae), Labcorp
Classification: Uncertain significance for Familial cancer of breast. Last evaluated: 2025-09-03. Review status: criteria provided, single submitter. Criteria: Invitae Variant Classification Sherloc (09022015). Collection method: clinical testing. Allele origin: germline.
Comment: This sequence change replaces glutamic acid, which is acidic and polar, with aspartic acid, which is acidic and polar, at codon 86 of the CHEK2 protein (p.Glu86Asp). This variant is present in population databases (no rsID available, gnomAD 0.0009%). This variant has not been reported in the literature in individuals affected with CHEK2-related conditions. ClinVar contains an entry for this variant (Variation ID: 662401). An algorithm developed to predict the effect of missense changes on protein structure and function (PolyPhen-2) suggests that this variant is likely to be tolerated. In summary, the available evidence is currently insufficient to determine the role of this variant in disease. Therefore, it has been classified as a Variant of Uncertain Significance.

Ambry Genetics
Classification: Uncertain significance for Hereditary cancer-predisposing syndrome. Last evaluated: 2024-07-05. Review status: criteria provided, single submitter. Criteria: Ambry Variant Classification Scheme 2023. Collection method: clinical testing. Allele origin: germline.
Comment: The p.E86D variant (also known as c.258G>T), located in coding exon 1 of the CHEK2 gene, results from a G to T substitution at nucleotide position 258. The glutamic acid at codon 86 is replaced by aspartic acid, an amino acid with highly similar properties. This amino acid position is conserved on limited sequence alignment. In addition, this alteration is predicted to be tolerated by in silico analysis. Based on the available evidence, the clinical significance of this variant remains unclear.